The following is an entry in ClinVar:

NM_000324.3(RHAG):c.1189T>C (p.Tyr397His)

Gene: RHAG (Rh associated glycoprotein; minus strand). Cytogenetic location: 6p12.3.
Variant type: single nucleotide variant.
Coding change: c.1189T>C on transcript NM_000324.3 (MANE Select); coding-DNA position 1189, T replaced by C.
Protein change: p.Tyr397His; replaces tyrosine 397 with histidine.
Molecular consequence: missense variant.
Genome position (GRCh38, 1-based): chr6:49,606,871, A>G on the plus strand (T>C on the coding strand, the complement: RHAG is on the minus strand). VCF-style: chr6-49606871-A-G. GRCh37 (hg19) VCF-style: chr6-49574584-A-G.
Other names: short protein forms Y397H.
Identifiers: ClinVar variation 4723864 (VCV004723864.1).

ClinVar aggregate classification (germline): Uncertain significance (1 of 4 stars; one submission).

Submission:

Labcorp Genetics (formerly Invitae), Labcorp
Classification: Uncertain significance. Last evaluated: 2025-07-23. Review status: criteria provided, single submitter. Criteria: Invitae Variant Classification Sherloc (09022015). Collection method: clinical testing. Allele origin: germline.
Comment: This sequence change replaces tyrosine, which is neutral and polar, with histidine, which is basic and polar, at codon 397 of the RHAG protein (p.Tyr397His). This variant is not present in population databases (gnomAD no frequency). This variant has not been reported in the literature in individuals affected with RHAG-related conditions. An algorithm developed to predict the effect of missense changes on protein structure and function (PolyPhen-2) suggests that this variant is likely to be disruptive. In summary, the available evidence is currently insufficient to determine the role of this variant in disease. Therefore, it has been classified as a Variant of Uncertain Significance.